The following is an entry in ClinVar:

ClinVar aggregate classification (germline): Uncertain significance. Review status: criteria provided, multiple submitters, no conflicts (2 of 4 stars). 2 submissions from 2 submitters: Uncertain significance (2). Last evaluated 2024-07-11.

Conditions:
Alagille syndrome due to a JAG1 point mutation. Also called: JAG1-Related Alagille Syndrome; HEPATIC DUCTULAR HYPOPLASIA, SYNDROMATIC; Alagille Syndrome 1. Identifiers: Orphanet 261619, Orphanet 52, MedGen C1956125, MONDO:0016862, OMIM 118450.

Submissions (2):

GeneDx
Classification: Uncertain significance. Last evaluated: 2024-07-11. Review status: criteria provided, single submitter. Criteria: GeneDx Variant Classification Process June 2021. Collection method: clinical testing. Allele origin: germline. Affected: yes.
Comment: Not observed at significant frequency in large population cohorts (gnomAD); In silico analysis supports that this missense variant has a deleterious effect on protein structure/function; Has not been previously published as pathogenic or benign to our knowledge

Labcorp Genetics (formerly Invitae), Labcorp
Classification: Uncertain significance for Alagille syndrome due to a JAG1 point mutation. Last evaluated: 2024-06-06. Review status: criteria provided, single submitter. Criteria: Invitae Variant Classification Sherloc (09022015). Collection method: clinical testing. Allele origin: germline.
Comment: This sequence change replaces threonine, which is neutral and polar, with lysine, which is basic and polar, at codon 622 of the JAG1 protein (p.Thr622Lys). This variant is not present in population databases (gnomAD no frequency). This variant has not been reported in the literature in individuals affected with JAG1-related conditions. Advanced modeling of protein sequence and biophysical properties (such as structural, functional, and spatial information, amino acid conservation, physicochemical variation, residue mobility, and thermodynamic stability) has been performed at Invitae for this missense variant, however the output from this modeling did not meet the statistical confidence thresholds required to predict the impact of this variant on JAG1 protein function. In summary, the available evidence is currently insufficient to determine the role of this variant in disease. Therefore, it has been classified as a Variant of Uncertain Significance.

NM_000214.3(JAG1):c.1865C>A (p.Thr622Lys)

Gene: JAG1 (jagged canonical Notch ligand 1; minus strand). Cytogenetic location: 20p12.2.
Variant type: single nucleotide variant.
Coding change: c.1865C>A on transcript NM_000214.3 (MANE Select); coding-DNA position 1865, C replaced by A.
Protein change: p.Thr622Lys; replaces threonine 622 with lysine.
Molecular consequence: missense variant.
Genome position (GRCh38, 1-based): chr20:10,646,959, G>T on the plus strand (C>A on the coding strand, the complement: JAG1 is on the minus strand). VCF-style: chr20-10646959-G-T. GRCh37 (hg19) VCF-style: chr20-10627607-G-T.
Other names: short protein forms T622K.
Identifiers: ClinVar variation 3572434 (VCV003572434.3).